The following is an entry in ClinVar:

NM_001371928.1(AHDC1):c.3544T>G (p.Phe1182Val)

Gene: AHDC1 (AT-hook DNA binding motif containing 1; minus strand). Cytogenetic location: 1p36.11.
Variant type: single nucleotide variant.
Coding change: c.3544T>G on transcript NM_001371928.1 (MANE Select); coding-DNA position 3544, T replaced by G.
Protein change: p.Phe1182Val; replaces phenylalanine 1182 with valine.
Molecular consequence: missense variant.
Genome position (GRCh38, 1-based): chr1:27,548,572, A>C on the plus strand (T>G on the coding strand, the complement: AHDC1 is on the minus strand). VCF-style: chr1-27548572-A-C. GRCh37 (hg19) VCF-style: chr1-27875083-A-C.
Other names: c.3544T>G, p.Phe1182Val (NM_001029882.3); c.-500T>G (NM_015699.1); c.3544T>G (NM_001029882.2); short protein forms F1182V.
Identifiers: ClinVar variation 2181155 (VCV002181155.9), dbSNP rs201980874, ClinGen allele CA715541.
Genomic context (GRCh38, chr1:27,548,572, plus strand): 5'-CCAGGCTGGACAGGCTCGACTGGCCCTCACTACTTGAGGCCTCGCTGTTGGCACGCCGAA[A>C]CCCCCCGCCACCAACCGGCTGATTGAACTGGGTGCTGTCGGAGGATGACTCAGAGAAGGT-3'
Protein context (NP_001358857.1, residues 1172-1192): QFNQPVGGGG[Phe1182Val]RRANSEASSS

ClinVar aggregate classification (germline): Conflicting classifications of pathogenicity. Review status: criteria provided, conflicting classifications (1 of 4 stars). 4 submissions from 4 submitters: Uncertain significance (2); Likely benign (2). Last evaluated 2026-01-29.

Conditions:
AHDC1-related disorder. Also called: AHDC1-related condition.
Inborn genetic diseases. Identifiers: MedGen C0950123, MeSH D030342.
AHDC1-related intellectual disability - obstructive sleep apnea - mild dysmorphism syndrome. Also called: Xia-Gibbs syndrome. Identifiers: Orphanet 412069, MedGen C4014419, MONDO:0014358, OMIM 615829.

Allele frequency attached by ClinVar (database versions not stated): ExAC 0.00001; gnomAD 0.00005; TOPMed 0.00006; gnomAD exomes 0.00026.
gnomAD v4.1: 367 of 1,612,812 alleles (0.023%); highest among the groups gnomAD compares: Non-Finnish European, 0.03%; 1 homozygote.

Submissions (4):

PreventionGenetics, part of Exact Sciences
Classification: Likely benign for AHDC1-related condition. Last evaluated: 2026-01-29. Review status: criteria provided, single submitter. Criteria: ACMG Guidelines, 2015. Collection method: clinical testing. Allele origin: germline.
Comment: This variant is classified as likely benign based on ACMG/AMP sequence variant interpretation guidelines (Richards et al. 2015 PMID: 25741868, with internal and published modifications).

Labcorp Genetics (formerly Invitae), Labcorp
Classification: Uncertain significance. Last evaluated: 2025-12-08. Review status: criteria provided, single submitter. Criteria: Invitae Variant Classification Sherloc (09022015). Collection method: clinical testing. Allele origin: germline.
Comment: This sequence change replaces phenylalanine, which is neutral and non-polar, with valine, which is neutral and non-polar, at codon 1182 of the AHDC1 protein (p.Phe1182Val). This variant is present in population databases (rs201980874, gnomAD 0.006%). This variant has not been reported in the literature in individuals affected with AHDC1-related conditions. ClinVar contains an entry for this variant (Variation ID: 2181155). An algorithm developed to predict the effect of missense changes on protein structure and function (PolyPhen-2) suggests that this variant is likely to be disruptive. In summary, the available evidence is currently insufficient to determine the role of this variant in disease. Therefore, it has been classified as a Variant of Uncertain Significance.

Ambry Genetics
Classification: Likely benign for Inborn genetic diseases. Last evaluated: 2025-08-01. Review status: criteria provided, single submitter. Criteria: Ambry Variant Classification Scheme 2023. Collection method: clinical testing. Allele origin: germline.

Revvity Omics, Revvity
Classification: Uncertain significance for AHDC1-related intellectual disability - obstructive sleep apnea - mild dysmorphism syndrome. Last evaluated: 2021-05-19. Review status: criteria provided, single submitter. Criteria: ACMG Guidelines, 2015. Collection method: clinical testing. Allele origin: germline.